The following is an entry in ClinVar:

ClinVar aggregate classification (germline): Uncertain significance (1 of 4 stars; one submission).

Allele frequency attached by ClinVar (database versions not stated): ExAC 0.00001.
gnomAD v4.1: 9 of 1,614,104 alleles (0.00056%); highest among the groups gnomAD compares: South Asian, 0.0011%; no homozygotes.

Submission:

Labcorp Genetics (formerly Invitae), Labcorp
Classification: Uncertain significance. Last evaluated: 2025-09-13. Review status: criteria provided, single submitter. Criteria: Invitae Variant Classification Sherloc (09022015). Collection method: clinical testing. Allele origin: germline.
Comment: This sequence change replaces isoleucine, which is neutral and non-polar, with valine, which is neutral and non-polar, at codon 174 of the SPP2 protein (p.Ile174Val). This variant is present in population databases (rs770675713, gnomAD 0.003%). This variant has not been reported in the literature in individuals affected with SPP2-related conditions. ClinVar contains an entry for this variant (Variation ID: 1948056). An algorithm developed to predict the effect of missense changes on protein structure and function (PolyPhen-2) suggests that this variant is likely to be tolerated. In summary, the available evidence is currently insufficient to determine the role of this variant in disease. Therefore, it has been classified as a Variant of Uncertain Significance.

NM_006944.3(SPP2):c.520A>G (p.Ile174Val)

Gene: SPP2 (secreted phosphoprotein 2; plus strand). Cytogenetic location: 2q37.1.
Variant type: single nucleotide variant.
Coding change: c.520A>G on transcript NM_006944.3 (MANE Select); coding-DNA position 520, A replaced by G.
Protein change: p.Ile174Val; replaces isoleucine 174 with valine.
Molecular consequence: missense variant.
Genome position (GRCh38, 1-based): chr2:234,067,244, A>G. VCF-style: chr2-234067244-A-G. GRCh37 (hg19) VCF-style: chr2-234975888-A-G.
Other names: short protein forms I174V.
Identifiers: ClinVar variation 1948056 (VCV001948056.5), dbSNP rs770675713, ClinGen allele CA2183246.